The following is an entry in ClinVar:

ClinVar aggregate classification (germline): Conflicting classifications of pathogenicity. Review status: criteria provided, conflicting classifications (1 of 4 stars). 3 submissions from 3 submitters: Likely pathogenic (2); Uncertain significance (1). Last evaluated 2025-09-25.

Conditions:
Neurofibromatosis, type 1 (NF1). Also called: NEUROFIBROMATOSIS, TYPE I, SOMATIC; VON RECKLINGHAUSEN DISEASE; Neurofibromatosis, type I; Peripheral type neurofibromatosis. Identifiers: Orphanet 636, MedGen C0027831, MONDO:0018975, OMIM 162200. Disease mechanism: loss of function.

Submissions (3):

NHS Central & South Genomic Laboratory Hub
Classification: Likely pathogenic for Neurofibromatosis type 1. Last evaluated: 2025-09-25. Review status: criteria provided, single submitter. Criteria: ACMG Guidelines, 2015. Collection method: clinical testing. Allele origin: germline. Affected: yes.

Labcorp Genetics (formerly Invitae), Labcorp
Classification: Likely pathogenic for Neurofibromatosis, type 1. Last evaluated: 2025-06-20. Review status: criteria provided, single submitter. Criteria: Invitae Variant Classification Sherloc (09022015). Collection method: clinical testing. Allele origin: germline.
Comment: This sequence change replaces leucine, which is neutral and non-polar, with arginine, which is basic and polar, at codon 274 of the NF1 protein (p.Leu274Arg). This variant is not present in population databases (gnomAD no frequency). This missense change has been observed in individual(s) with neurofibromatosis type I (internal data). ClinVar contains an entry for this variant (Variation ID: 1356634). Invitae Evidence Modeling of protein sequence and biophysical properties (such as structural, functional, and spatial information, amino acid conservation, physicochemical variation, residue mobility, and thermodynamic stability) indicates that this missense variant is expected to disrupt NF1 protein function with a positive predictive value of 95%. In summary, the currently available evidence indicates that the variant is pathogenic, but additional data are needed to prove that conclusively. Therefore, this variant has been classified as Likely Pathogenic.

GeneDx
Classification: Uncertain significance. Last evaluated: 2022-10-28. Review status: criteria provided, single submitter. Criteria: GeneDx Variant Classification Process June 2021. Collection method: clinical testing. Allele origin: germline. Affected: yes.
Comment: Not observed at significant frequency in large population cohorts (gnomAD); In silico analysis supports that this missense variant has a deleterious effect on protein structure/function; Has not been previously published as pathogenic or benign to our knowledge

NM_001042492.3(NF1):c.821T>G (p.Leu274Arg)

Gene: NF1 (neurofibromin 1; plus strand). Cytogenetic location: 17q11.2.
Variant type: single nucleotide variant.
Coding change: c.821T>G on transcript NM_001042492.3 (MANE Select); coding-DNA position 821, T replaced by G.
Protein change: p.Leu274Arg; replaces leucine 274 with arginine.
Molecular consequence: missense variant.
Genome position (GRCh38, 1-based): chr17:31,182,598, T>G. VCF-style: chr17-31182598-T-G. GRCh37 (hg19) VCF-style: chr17-29509616-T-G.
Other names: c.821T>G, p.Leu274Arg (NM_001128147.3, NM_000267.4); short protein forms L274R.
Identifiers: ClinVar variation 1356634 (VCV001356634.9), dbSNP rs2066157974, ClinGen allele CA398990997.